The following is an entry in ClinVar:

ClinVar aggregate classification (germline): Uncertain significance (1 of 4 stars; one submission).

gnomAD v4.1: 2 of 1,614,146 alleles (0.00012%); highest among the groups gnomAD compares: African/African-American, 0.0013%; no homozygotes.

Submission:

GeneDx
Classification: Uncertain significance. Last evaluated: 2025-05-06. Review status: criteria provided, single submitter. Criteria: GeneDx Variant Classification Process June 2021. Collection method: clinical testing. Allele origin: germline. Affected: yes.
Comment: Not observed at significant frequency in large population cohorts (gnomAD); Nonsense variant predicted to result in protein truncation as the last 130 amino acid(s) are lost; Has not been previously published as pathogenic or benign to our knowledge

NM_004568.6(SERPINB6):c.739G>T (p.Glu247Ter)

Gene: SERPINB6 (serpin family B member 6; minus strand). Cytogenetic location: 6p25.2.
Variant type: single nucleotide variant.
Coding change: c.739G>T on transcript NM_004568.6 (MANE Select); coding-DNA position 739, G replaced by T.
Protein change: p.Glu247Ter; replaces glutamic acid 247 with a stop codon.
Molecular consequence: nonsense. On other transcripts: non-coding transcript variant (1).
Genome position (GRCh38, 1-based): chr6:2,948,690, C>A on the plus strand (G>T on the coding strand, the complement: SERPINB6 is on the minus strand). VCF-style: chr6-2948690-C-A. GRCh37 (hg19) VCF-style: chr6-2948924-C-A.
Other names: c.751G>T, p.Glu251Ter (NM_001195291.3, NM_001374515.1); c.781G>T, p.Glu261Ter (NM_001271822.2); c.796G>T, p.Glu266Ter (NM_001271823.2); c.739G>T, p.Glu247Ter (NM_001271824.2, NM_001271825.2, NM_001297699.2 and 2 more transcripts); c.607G>T, p.Glu203Ter (NM_001374517.1); short protein forms E203*, E247*, E251*, E261*, E266*.
Identifiers: ClinVar variation 4527970 (VCV004527970.1).